The following is an entry in ClinVar:

NM_003737.4(DCHS1):c.5777C>G (p.Thr1926Ser)

Gene: DCHS1 (dachsous cadherin-related 1; minus strand). Cytogenetic location: 11p15.4.
Variant type: single nucleotide variant.
Coding change: c.5777C>G on transcript NM_003737.4 (MANE Select); coding-DNA position 5777, C replaced by G.
Protein change: p.Thr1926Ser; replaces threonine 1926 with serine.
Molecular consequence: missense variant.
Genome position (GRCh38, 1-based): chr11:6,627,262, G>C on the plus strand (C>G on the coding strand, the complement: DCHS1 is on the minus strand). VCF-style: chr11-6627262-G-C. GRCh37 (hg19) VCF-style: chr11-6648493-G-C.
Other names: short protein forms T1926S.
Identifiers: ClinVar variation 4706751 (VCV004706751.1).
Genomic context (GRCh38, chr11:6,627,262, plus strand): 5'-ACAGACACTGTGGTGCTTAGGGGCCCAGCAGCTGCACCATCCACTGCACTCACAGAAAAG[G>C]TGTAGCTGGGACACTGTTCTCTGTCCAAGGCTGCAGCTGTGCGCAGTTCTCCAGAGCTGG-3'
Protein context (NP_003728.1, residues 1916-1936): ALDREQCPSY[Thr1926Ser]FSVSAVDGAA

ClinVar aggregate classification (germline): Uncertain significance (1 of 4 stars; one submission).

Submission:

Labcorp Genetics (formerly Invitae), Labcorp
Classification: Uncertain significance. Last evaluated: 2025-12-29. Review status: criteria provided, single submitter. Criteria: Invitae Variant Classification Sherloc (09022015). Collection method: clinical testing. Allele origin: germline.
Comment: This sequence change replaces threonine, which is neutral and polar, with serine, which is neutral and polar, at codon 1926 of the DCHS1 protein (p.Thr1926Ser). This variant is not present in population databases (gnomAD no frequency). This variant has not been reported in the literature in individuals affected with DCHS1-related conditions. Invitae Evidence Modeling of protein sequence and biophysical properties (such as structural, functional, and spatial information, amino acid conservation, physicochemical variation, residue mobility, and thermodynamic stability) indicates that this missense variant is not expected to disrupt DCHS1 protein function with a negative predictive value of 80%. In summary, the available evidence is currently insufficient to determine the role of this variant in disease. Therefore, it has been classified as a Variant of Uncertain Significance.